The following is an entry in ClinVar:

ClinVar aggregate classification (germline): Benign (1 of 4 stars; one submission).

Allele frequency attached by ClinVar (database versions not stated): ESP Exome Variant Server 0.31563; TOPMed 0.36315; 1000 Genomes Project 30x 0.36680; gnomAD 0.38244; 1000 Genomes Project 0.38399.

Submission:

Unidad de Genómica Garrahan, Hospital de Pediatría Garrahan
Classification: Benign. Last evaluated: 2024-01-24. Review status: criteria provided, single submitter. Criteria: ACMG Guidelines, 2015. Collection method: clinical testing. Allele origin: germline. Affected: no. Observed: 67 variant alleles.
Comment: This variant is classified as Benign based on local population frequency. This variant was detected in 71% of patients studied by a panel of primary immunodeficiencies. Number of patients: 67. Only high quality variants are reported.

NC_000014.9:g.105851916A>T

Gene: IGH (immunoglobulin heavy locus; minus strand). Cytogenetic location: 14q32.33.
Variant type: single nucleotide variant.
Genome position: GRCh38 VCF-style: chr14-105851916-A-T. GRCh37 (hg19) VCF-style: chr14-106318248-A-T.
Identifiers: ClinVar variation 2688015 (VCV002688015.2), dbSNP rs1059713, ClinGen allele CA13952606.